The following is an entry in ClinVar:

ClinVar aggregate classification (germline): Uncertain significance. Review status: criteria provided, multiple submitters, no conflicts (2 of 4 stars). 3 submissions from 3 submitters: Uncertain significance (2). 1 of the submissions does not count toward it. Last evaluated 2024-03-30.

Conditions:
Joubert syndrome 1 (JBTS1). Also called: Cerebellooculorenal syndrome 1; CEREBELLOPARENCHYMAL DISORDER IV. Identifiers: MedGen C4551568, MONDO:0008944, OMIM 213300.
MORM syndrome (MORMS). Identifiers: Orphanet 75858, MedGen C1857802, MONDO:0012423, OMIM 610156.
INPP5E-related disorder. Also called: INPP5E-related condition.
Joubert syndrome. Also called: JOUBERT-BOLTSHAUSER SYNDROME; Familial aplasia of the vermis. Identifiers: Orphanet 475, MedGen C5979921, MONDO:0018772.

Allele frequency attached by ClinVar (database versions not stated): gnomAD exomes below 0.00001; TOPMed below 0.00001; gnomAD 0.00001.
gnomAD v4.1: 2 of 1,612,040 alleles (0.00012%); highest among the groups gnomAD compares: African/African-American, 0.0027%; no homozygotes.

Submissions (3):

Fulgent Genetics
Classification: Uncertain significance for Joubert syndrome 1; MORM syndrome. Last evaluated: 2024-03-30. Review status: criteria provided, single submitter. Criteria: ACMG Guidelines, 2015. Collection method: clinical testing. Allele origin: germline.

Labcorp Genetics (formerly Invitae), Labcorp
Classification: Uncertain significance for Joubert syndrome. Last evaluated: 2021-12-25. Review status: criteria provided, single submitter. Criteria: Invitae Variant Classification Sherloc (09022015). Collection method: clinical testing. Allele origin: germline.
Comment: This sequence change replaces arginine, which is basic and polar, with threonine, which is neutral and polar, at codon 550 of the INPP5E protein (p.Arg550Thr). This variant is not present in population databases (gnomAD no frequency). This variant has not been reported in the literature in individuals affected with INPP5E-related conditions. Advanced modeling of protein sequence and biophysical properties (such as structural, functional, and spatial information, amino acid conservation, physicochemical variation, residue mobility, and thermodynamic stability) performed at Invitae indicates that this missense variant is expected to disrupt INPP5E protein function. In summary, the available evidence is currently insufficient to determine the role of this variant in disease. Therefore, it has been classified as a Variant of Uncertain Significance.

PreventionGenetics, part of Exact Sciences
Classification: Uncertain significance for INPP5E-related condition. Last evaluated: 2024-05-20. Review status: no assertion criteria provided. Collection method: clinical testing. Allele origin: germline. Not counted in ClinVar's aggregate classification.
Comment: The INPP5E c.1649G>C variant is predicted to result in the amino acid substitution p.Arg550Thr. To our knowledge, this variant has not been reported in the literature or in a large population database, indicating this variant is rare. At this time, the clinical significance of this variant is uncertain due to the absence of conclusive functional and genetic evidence.

NM_019892.6(INPP5E):c.1649G>C (p.Arg550Thr)

Gene: INPP5E (inositol polyphosphate-5-phosphatase E; minus strand). Cytogenetic location: 9q34.3.
Variant type: single nucleotide variant.
Coding change: c.1649G>C on transcript NM_019892.6 (MANE Select); coding-DNA position 1649, G replaced by C.
Protein change: p.Arg550Thr; replaces arginine 550 with threonine.
Molecular consequence: missense variant.
Genome position (GRCh38, 1-based): chr9:136,431,018, C>G on the plus strand (G>C on the coding strand, the complement: INPP5E is on the minus strand). VCF-style: chr9-136431018-C-G. GRCh37 (hg19) VCF-style: chr9-139325470-C-G.
Other names: c.1646G>C, p.Arg549Thr (NM_001318502.2); c.1649G>C (NM_019892.5); short protein forms R549T, R550T.
Identifiers: ClinVar variation 2068412 (VCV002068412.3), dbSNP rs1310853922, ClinGen allele CA375561572.